The following is an entry in ClinVar:

ClinVar aggregate classification (germline): Uncertain significance. Review status: criteria provided, multiple submitters, no conflicts (2 of 4 stars). 7 submissions from 7 submitters: Uncertain significance (7). Last evaluated 2025-01-08.

Conditions:
Rafiq syndrome (RAFQS). Identifiers: Orphanet 88616, MedGen C3280127, MONDO:0013624, OMIM 614202.
Inborn genetic diseases. Identifiers: MedGen C0950123, MeSH D030342.

Allele frequency attached by ClinVar (database versions not stated): gnomAD exomes 0.00010 and 0.00024; ExAC 0.00016; gnomAD 0.00029 and 0.00031; TOPMed 0.00031; 1000 Genomes Project 0.00100; 1000 Genomes Project 30x 0.00109.
gnomAD v4.1: 208 of 1,613,878 alleles (0.013%); highest among the groups gnomAD compares: Admixed American, 0.23%; no homozygotes.

Submissions (7):

Labcorp Genetics (formerly Invitae), Labcorp
Classification: Uncertain significance for Rafiq syndrome. Last evaluated: 2025-01-08. Review status: criteria provided, single submitter. Criteria: Invitae Variant Classification Sherloc (09022015). Collection method: clinical testing. Allele origin: germline.
Comment: This sequence change replaces threonine, which is neutral and polar, with methionine, which is neutral and non-polar, at codon 664 of the MAN1B1 protein (p.Thr664Met). This variant is present in population databases (rs200428790, gnomAD 0.1%). This variant has not been reported in the literature in individuals affected with MAN1B1-related conditions. ClinVar contains an entry for this variant (Variation ID: 435811). An algorithm developed to predict the effect of missense changes on protein structure and function (PolyPhen-2) suggests that this variant is likely to be disruptive. In summary, the available evidence is currently insufficient to determine the role of this variant in disease. Therefore, it has been classified as a Variant of Uncertain Significance.

GeneDx
Classification: Uncertain significance. Last evaluated: 2024-08-28. Review status: criteria provided, single submitter. Criteria: GeneDx Variant Classification Process June 2021. Collection method: clinical testing. Allele origin: germline. Affected: yes.
Comment: Identified by whole exome sequencing in the heterozygous state in an individual with intellectual disability who was also homozygous for a likely pathogenic PEX16 variant (PMID: 26870756); In silico analysis supports that this missense variant has a deleterious effect on protein structure/function; This variant is associated with the following publications: (PMID: 26870756)

Pittsburgh Clinical Genomics Laboratory, University of Pittsburgh Medical Center
Classification: Uncertain significance for Rafiq syndrome. Last evaluated: 2024-05-20. Review status: criteria provided, single submitter. Criteria: ACMG Guidelines, 2015. Collection method: clinical testing. Allele origin: germline. Inheritance: Autosomal recessive inheritance. Affected: yes.
Comment: This sequence variant is a single nucleotide substitution (C>T) at position 1991 of the coding sequence of the MAN1B1 gene that results in a threonine to methionine amino acid change at residue 664 of the mannosidase alpha class 1B member 1 protein. This is a previously reported variant (ClinVar 435811) that has not been observed in individuals affected by MAN1B1-related disorder in the published literature, to our knowledge. This variant is present in 208 of 1613878 alleles (0.013%) in the gnomAD v4.1.0 population dataset. Multiple bioinformatic tools predict that this amino acid change would be damaging, and the Thr664 residue at this position is highly conserved across the vertebrate species examined. Studies examining the functional consequence of this variant have not been published, to our knowledge. At this time, there is insufficient evidence to determine if this variant is pathogenic or benign. Therefore, we consider this a variant of uncertain significance. ACMG Criteria: PP3

Revvity Omics, Revvity
Classification: Uncertain significance for Rafiq syndrome. Last evaluated: 2021-06-17. Review status: criteria provided, single submitter. Criteria: ACMG Guidelines, 2015. Collection method: clinical testing. Allele origin: germline.

AiLife Diagnostics
Classification: Uncertain significance. Last evaluated: 2020-07-09. Review status: criteria provided, single submitter. Criteria: ACMG Guidelines, 2015. Collection method: clinical testing. Allele origin: germline. Affected: yes. Observed: 1 variant allele.

Ambry Genetics
Classification: Uncertain significance for Inborn genetic diseases. Last evaluated: 2017-12-18. Review status: criteria provided, single submitter. Criteria: Ambry Variant Classification Scheme 2023. Collection method: clinical testing. Allele origin: germline.
Comment: The p.T664M variant (also known as c.1991C>T), located in coding exon 13 of the MAN1B1 gene, results from a C to T substitution at nucleotide position 1991. The threonine at codon 664 is replaced by methionine, an amino acid with similar properties. This amino acid position is highly conserved in available vertebrate species. In addition, this alteration is predicted to be deleterious by in silico analysis. Since supporting evidence is limited at this time, the clinical significance of this alteration remains unclear.

Genetic Services Laboratory, University of Chicago
Classification: Uncertain significance. Last evaluated: 2015-08-18. Review status: criteria provided, single submitter. Criteria: ACMG Guidelines, 2015. Collection method: clinical testing. Allele origin: germline. Affected: no.

NM_016219.5(MAN1B1):c.1991C>T (p.Thr664Met)

Gene: MAN1B1 (mannosidase alpha class 1B member 1; plus strand). Cytogenetic location: 9q34.3.
Variant type: single nucleotide variant.
Coding change: c.1991C>T on transcript NM_016219.5 (MANE Select); coding-DNA position 1991, C replaced by T.
Protein change: p.Thr664Met; replaces threonine 664 with methionine.
Molecular consequence: missense variant. On other transcripts: non-coding transcript variant (2).
Genome position (GRCh38, 1-based): chr9:137,108,482, C>T. VCF-style: chr9-137108482-C-T. GRCh37 (hg19) VCF-style: chr9-140002934-C-T.
Other names: short protein forms T664M.
Identifiers: ClinVar variation 435811 (VCV000435811.24), dbSNP rs200428790, ClinGen allele CA5359537.
Genomic context (GRCh38, chr9:137,108,482, plus strand): 5'-TCCAGGATCCTCAGAAGCCCGAGCCTAGGGACAAGATGGAGAGCTTCTTCCTGGGGGAGA[C>T]GCTCAAGTATCTGTTCTTGCTCTTCTCCGATGACCCAAACCTGCTCAGCCTGGATGCCTA-3'
Protein context (NP_057303.2, residues 654-674): DKMESFFLGE[Thr664Met]LKYLFLLFSD